The following is an entry in ClinVar:

ClinVar aggregate classification (germline): Uncertain significance (1 of 4 stars; one submission).

Conditions:
Charcot-Marie-Tooth disease type 2. Also called: Charcot-Marie-Tooth type 2. Identifiers: Orphanet 64746, MedGen C0270914, MONDO:0018993.

Submission:

Labcorp Genetics (formerly Invitae), Labcorp
Classification: Uncertain significance for Charcot-Marie-Tooth disease type 2. Last evaluated: 2020-08-06. Review status: criteria provided, single submitter. Criteria: Invitae Variant Classification Sherloc (09022015). Collection method: clinical testing. Allele origin: germline.
Comment: In summary, the available evidence is currently insufficient to determine the role of this variant in disease. Therefore, it has been classified as a Variant of Uncertain Significance. Algorithms developed to predict the effect of missense changes on protein structure and function are either unavailable or do not agree on the potential impact of this missense change (SIFT: "Deleterious"; PolyPhen-2: "Probably Damaging"; Align-GVGD: "Class C0"). This variant has not been reported in the literature in individuals with MED25-related conditions. This variant is not present in population databases (ExAC no frequency). This sequence change replaces asparagine with histidine at codon 147 of the MED25 protein (p.Asn147His). The asparagine residue is highly conserved and there is a small physicochemical difference between asparagine and histidine.

NM_030973.4(MED25):c.439A>C (p.Asn147His)

Gene: MED25 (mediator complex subunit 25; plus strand). Cytogenetic location: 19q13.33.
Variant type: single nucleotide variant.
Coding change: c.439A>C on transcript NM_030973.4 (MANE Select); coding-DNA position 439, A replaced by C.
Protein change: p.Asn147His; replaces asparagine 147 with histidine.
Molecular consequence: missense variant.
Genome position (GRCh38, 1-based): chr19:49,829,004, A>C. VCF-style: chr19-49829004-A-C. GRCh37 (hg19) VCF-style: chr19-50332261-A-C.
Other names: c.439A>C, p.Asn147His (NM_001378355.1); short protein forms N147H.
Identifiers: ClinVar variation 1018358 (VCV001018358.8), dbSNP rs2074034296, ClinGen allele CA406912211.